The following is an entry in ClinVar:

NM_001035.3(RYR2):c.1220G>T (p.Arg407Ile)

Gene: RYR2 (ryanodine receptor 2; plus strand). Cytogenetic location: 1q43.
Variant type: single nucleotide variant.
Coding change: c.1220G>T on transcript NM_001035.3 (MANE Select); coding-DNA position 1220, G replaced by T.
Protein change: p.Arg407Ile; replaces arginine 407 with isoleucine.
Molecular consequence: missense variant.
Genome position (GRCh38, 1-based): chr1:237,445,450, G>T. VCF-style: chr1-237445450-G-T. GRCh37 (hg19) VCF-style: chr1-237608750-G-T.
Other names: p.R407I:AGA>ATA; c.1220G>T, p.Arg407Ile (LRG_402t1); short protein forms R407I.
Identifiers: ClinVar variation 201211 (VCV000201211.4), dbSNP rs794728720, ClinGen allele CA007368.
Genomic context (GRCh38, chr1:237,445,450, plus strand): 5'-CTTTCTTACAGGCTATTATGCATCATGAAGGCCACATGGATGATGGCATAAGTTTGTCGA[G>T]ATCCCAGCATGAAGAATCACGCACAGCCCGAGTTATCCGGAGCACAGTCTTCCTTTTCAA-3'
Protein context (NP_001026.2, residues 397-417): GHMDDGISLS[Arg407Ile]SQHEESRTAR

ClinVar aggregate classification (germline): Uncertain significance. Review status: criteria provided, multiple submitters, no conflicts (2 of 4 stars). 2 submissions from 2 submitters: Uncertain significance (2). Last evaluated 2024-09-23.

Conditions:
Catecholaminergic polymorphic ventricular tachycardia 1. Also called: RYR2-Related Catecholaminergic Polymorphic Ventricular Tachycardia; VENTRICULAR TACHYCARDIA, CATECHOLAMINERGIC POLYMORPHIC, 1, WITH OR WITHOUT ATRIAL DYSFUNCTION AND/OR DILATED CARDIOMYOPATHY; VENTRICULAR TACHYCARDIA, STRESS-INDUCED POLYMORPHIC 1. Identifiers: Orphanet 3286, MedGen C1631597, MONDO:0011484, OMIM 604772.

Submissions (2):

Labcorp Genetics (formerly Invitae), Labcorp
Classification: Uncertain significance for Catecholaminergic polymorphic ventricular tachycardia 1. Last evaluated: 2024-09-23. Review status: criteria provided, single submitter. Criteria: Invitae Variant Classification Sherloc (09022015). Collection method: clinical testing. Allele origin: germline.
Comment: This sequence change replaces arginine, which is basic and polar, with isoleucine, which is neutral and non-polar, at codon 407 of the RYR2 protein (p.Arg407Ile). This variant is not present in population databases (gnomAD no frequency). This missense change has been observed in individual(s) with RYR2-related conditions (PMID: 32152366). ClinVar contains an entry for this variant (Variation ID: 201211). Invitae Evidence Modeling of protein sequence and biophysical properties (such as structural, functional, and spatial information, amino acid conservation, physicochemical variation, residue mobility, and thermodynamic stability) indicates that this missense variant is expected to disrupt RYR2 protein function with a positive predictive value of 80%. In summary, the available evidence is currently insufficient to determine the role of this variant in disease. Therefore, it has been classified as a Variant of Uncertain Significance.

GeneDx
Classification: Uncertain significance. Last evaluated: 2016-07-26. Review status: criteria provided, single submitter. Criteria: GeneDx Variant Classification (06012015). Collection method: clinical testing. Allele origin: germline. Affected: yes.
Comment: The R407I variant in the RYR2 gene has been reported previously in one patient with sudden unexplained death, and was not reported in at least 1200 control alleles (Tester et al., 2012). R407I was not observed in approximately 6,100 individuals of European and African American ancestry in the NHLBI Exome Sequencing Project, indicating it is not a common benign variant in these populations. R407I results in a non-conservative amino acid substitution, which is likely to impact secondary protein structure as these residues differ in polarity, charge, size and/or other properties. This substitution occurs at a position that is conserved across species, and in silico analysis predicts R407I is probably damaging to the protein structure/function. Additionally, a missense variant in the same residue (R407S) and in nearby residues (S406L, S413T, R414C, R414L) have been reported in HGMD in association with catecholaminergic polymorphic ventricular tachycardia (CPVT) (Stenson et al., 2014). Nevertheless, this variant lacks observation in a significant number of affected individuals, segregation data, and functional evidence, which would further clarify its pathogenicity. Therefore, based on the currently available information, it is unclear whether this variant is pathogenic or benign.

Literature cited by the submitters: PubMed 32152366 (cited by Labcorp Genetics (formerly Invitae), Labcorp).